The following is an entry in ClinVar:

NM_015627.3(LDLRAP1):c.462A>G (p.Ala154=)

Gene: LDLRAP1 (low density lipoprotein receptor adaptor protein 1; plus strand). Cytogenetic location: 1p36.11.
Variant type: single nucleotide variant.
Coding change: c.462A>G on transcript NM_015627.3 (MANE Select); coding-DNA position 462, A replaced by G.
Protein change: p.Ala154=; no amino-acid change (alanine 154 retained).
Molecular consequence: synonymous variant.
Genome position (GRCh38, 1-based): chr1:25,562,646, A>G. VCF-style: chr1-25562646-A-G. GRCh37 (hg19) VCF-style: chr1-25889137-A-G.
Identifiers: ClinVar variation 3006185 (VCV003006185.4), dbSNP rs761077535, ClinGen allele CA695579.

ClinVar aggregate classification (germline): Conflicting classifications of pathogenicity. Review status: criteria provided, conflicting classifications (1 of 4 stars). 2 submissions from 2 submitters: Uncertain significance (1); Likely benign (1). Last evaluated 2026-03-18.

Conditions:
Familial hypercholesterolemia. Also called: Familial hypercholesterolemias; Familial hypercholesterolaemia. Identifiers: MedGen C0020445, MONDO:0005439.
Hypercholesterolemia, familial, 4 (FHCL4). Also called: HYPERCHOLESTEROLEMIA, AUTOSOMAL RECESSIVE, 1; HYPERCHOLESTEROLEMIA, AUTOSOMAL RECESSIVE, 2. Identifiers: Orphanet 391665, MedGen C1863512, MONDO:0011374, OMIM 603813.

Allele frequency attached by ClinVar (database versions not stated): gnomAD exomes 0.00001; gnomAD 0.00001; ExAC 0.00001.
gnomAD v4.1: 9 of 1,613,990 alleles (0.00056%); highest among the groups gnomAD compares: Non-Finnish European, 0.00076%; no homozygotes.

Submissions (2):

Cambridge Genomics Laboratory, East Genomic Laboratory Hub, NHS Genomic Medicine Service
Classification: Uncertain significance for Familial hypercholesterolaemia. Last evaluated: 2026-03-18. Review status: criteria provided, single submitter. Criteria: ACGS Best Practice Guidelines for Variant Classification in Rare Disease 2020. Collection method: clinical testing. Allele origin: germline. Affected: yes.
Comment: PM2,PP4,BP4

Labcorp Genetics (formerly Invitae), Labcorp
Classification: Likely benign for Hypercholesterolemia, familial, 4. Last evaluated: 2023-08-17. Review status: criteria provided, single submitter. Criteria: Invitae Variant Classification Sherloc (09022015). Collection method: clinical testing. Allele origin: germline.